The following is an entry in ClinVar:

NM_001312909.2(FAM111A):c.442C>T (p.Pro148Ser)

Gene: FAM111A (FAM111 trypsin like peptidase A; plus strand). Cytogenetic location: 11q12.1.
Variant type: single nucleotide variant.
Coding change: c.442C>T on transcript NM_001312909.2 (MANE Select); coding-DNA position 442, C replaced by T.
Protein change: p.Pro148Ser; replaces proline 148 with serine.
Molecular consequence: missense variant.
Genome position (GRCh38, 1-based): chr11:59,152,110, C>T. VCF-style: chr11-59152110-C-T. GRCh37 (hg19) VCF-style: chr11-58919583-C-T.
Other names: c.442C>T, p.Pro148Ser (NM_001374865.1, NM_001374866.1, NM_001374867.1 and 29 more transcripts); short protein forms P148S.
Identifiers: ClinVar variation 3693961 (VCV003693961.2).

ClinVar aggregate classification (germline): Uncertain significance (1 of 4 stars; one submission).

Submission:

Labcorp Genetics (formerly Invitae), Labcorp
Classification: Uncertain significance. Last evaluated: 2025-07-07. Review status: criteria provided, single submitter. Criteria: Invitae Variant Classification Sherloc (09022015). Collection method: clinical testing. Allele origin: germline.
Comment: This sequence change replaces proline, which is neutral and non-polar, with serine, which is neutral and polar, at codon 148 of the FAM111A protein (p.Pro148Ser). This variant is not present in population databases (gnomAD no frequency). This variant has not been reported in the literature in individuals affected with FAM111A-related conditions. ClinVar contains an entry for this variant (Variation ID: 3693961). Invitae Evidence Modeling of protein sequence and biophysical properties (such as structural, functional, and spatial information, amino acid conservation, physicochemical variation, residue mobility, and thermodynamic stability) indicates that this missense variant is not expected to disrupt FAM111A protein function with a negative predictive value of 80%. In summary, the available evidence is currently insufficient to determine the role of this variant in disease. Therefore, it has been classified as a Variant of Uncertain Significance.